The following is an entry in ClinVar:

NM_001457.4(FLNB):c.5122dup (p.Glu1708fs)

Gene: FLNB (filamin B; plus strand). Cytogenetic location: 3p14.3.
Variant type: Duplication.
Coding change: c.5122dup on transcript NM_001457.4 (MANE Select); coding-DNA position 5122, one base duplicated (G; older notation c.5122dupG).
Protein change: p.Glu1708fs; shifts the reading frame from glutamic acid 1708.
Molecular consequence: frameshift variant. On other transcripts: intron variant (1).
Genome position (GRCh38, 1-based): chr3:58,141,870, G duplicated; the last of 4 consecutive G bases (chr3:58,141,867-58,141,870); duplicating any one gives the same sequence. VCF-style (leftmost placement, unchanged base first): chr3-58141866-T-TG. GRCh37 (hg19) VCF-style: chr3-58127593-T-TG.
Other names: c.5215dup, p.Glu1739fs (NM_001164317.2); c.5122dup, p.Glu1708fs (NM_001164318.2); c.5110-780dup (NM_001164319.2); short protein forms E1708fs, E1739fs.
Identifiers: ClinVar variation 3686048 (VCV003686048.2).

ClinVar aggregate classification (germline): Pathogenic (1 of 4 stars; one submission).

Submission:

Labcorp Genetics (formerly Invitae), Labcorp
Classification: Pathogenic. Last evaluated: 2024-05-22. Review status: criteria provided, single submitter. Criteria: Invitae Variant Classification Sherloc (09022015). Collection method: clinical testing. Allele origin: germline.
Comment: This sequence change creates a premature translational stop signal (p.Glu1708Glyfs*31) in the FLNB gene. It is expected to result in an absent or disrupted protein product. Loss-of-function variants in FLNB are known to be pathogenic (PMID: 14991055). This variant is present in population databases (no rsID available, gnomAD 0.02%). This variant has not been reported in the literature in individuals affected with FLNB-related conditions. For these reasons, this variant has been classified as Pathogenic.

Literature cited by the submitters: PubMed 14991055.